The following is an entry in ClinVar:

ClinVar aggregate classification (germline): Uncertain significance (1 of 4 stars; one submission).

Submission:

CeGaT Center for Human Genetics Tuebingen
Classification: Uncertain significance. Last evaluated: 2023-10-01. Review status: criteria provided, single submitter. Criteria: CeGaT Center For Human Genetics Tuebingen Variant Classification Criteria Version 2. Collection method: clinical testing. Allele origin: germline. Affected: yes. Observed: 1 variant allele.
Comment: GRN: PM2

NM_002087.4(GRN):c.293G>A (p.Cys98Tyr)

Gene: GRN (granulin precursor; plus strand). Cytogenetic location: 17q21.31.
Variant type: single nucleotide variant.
Coding change: c.293G>A on transcript NM_002087.4 (MANE Select); coding-DNA position 293, G replaced by A.
Protein change: p.Cys98Tyr; replaces cysteine 98 with tyrosine.
Molecular consequence: missense variant.
Genome position (GRCh38, 1-based): chr17:44,349,695, G>A. VCF-style: chr17-44349695-G-A. GRCh37 (hg19) VCF-style: chr17-42427063-G-A.
Other names: short protein forms C98Y.
Identifiers: ClinVar variation 2647833 (VCV002647833.24), dbSNP rs2510054720, ClinGen allele CA399760412.
Genomic context (GRCh38, chr17:44,349,695, plus strand): 5'-CCTGCCAATGCAGGTTTCTCTGTGTTCCACAGGCCGTGGCATGCGGGGATGGCCATCACT[G>A]CTGCCCACGGGGCTTCCACTGCAGTGCAGACGGGCGATCCTGCTTCCAAAGATCAGGTGC-3'
Protein context (NP_002078.1, residues 88-108): EAVACGDGHH[Cys98Tyr]CPRGFHCSAD